The following is an entry in ClinVar:

NM_000045.4(ARG1):c.939G>C (p.Lys313Asn)

Genes: ARG1 (arginase 1; plus strand), MED23 (mediator complex subunit 23; minus strand). Cytogenetic location: 6q23.2.
Variant type: single nucleotide variant.
Coding change: c.939G>C on transcript NM_000045.4 (MANE Select); coding-DNA position 939, G replaced by C.
Protein change: p.Lys313Asn; replaces lysine 313 with asparagine.
Molecular consequence: missense variant. On other transcripts: non-coding transcript variant (1), intron variant (2).
Genome position (GRCh38, 1-based): chr6:131,583,878, G>C. VCF-style: chr6-131583878-G-C. GRCh37 (hg19) VCF-style: chr6-131905018-G-C.
Other names: c.963G>C, p.Lys321Asn (NM_001244438.2); c.684G>C, p.Lys228Asn (NM_001369020.1); c.4077+3831C>G (NM_001270521.2); c.4095+3831C>G (NM_015979.4); short protein forms K228N, K313N, K321N.
Identifiers: ClinVar variation 1018418 (VCV001018418.7), dbSNP rs1774069461, ClinGen allele CA365653747.
Genomic context (GRCh38, chr6:131,583,878, plus strand): 5'-GAACACAGCAGTTGCAATAACCTTGGCTTGTTTCGGACTTGCTCGGGAGGGTAATCACAA[G>C]CCTATTGACTACCTTAACCCACCTAAGTAAATGTGGAAACATCCGATATAAATCTCATAG-3'
Protein context (NP_000036.2, residues 303-322): CFGLAREGNH[Lys313Asn]PIDYLNPPK

ClinVar aggregate classification (germline): Uncertain significance (1 of 4 stars; one submission).

Conditions:
Arginase deficiency. Also called: ARGININEMIA; ARG1 DEFICIENCY; Arginase 1 Deficiency. Identifiers: Orphanet 90, MedGen C0268548, MONDO:0008814, OMIM 207800.

Submission:

Labcorp Genetics (formerly Invitae), Labcorp
Classification: Uncertain significance for Arginase deficiency. Last evaluated: 2021-08-31. Review status: criteria provided, single submitter. Criteria: Invitae Variant Classification Sherloc (09022015). Collection method: clinical testing. Allele origin: germline.
Comment: This sequence change replaces lysine with asparagine at codon 313 of the ARG1 protein (p.Lys313Asn). The lysine residue is moderately conserved and there is a moderate physicochemical difference between lysine and asparagine. This variant is not present in population databases (ExAC no frequency). This variant has not been reported in the literature in individuals affected with ARG1-related conditions. Algorithms developed to predict the effect of missense changes on protein structure and function (SIFT, PolyPhen-2, Align-GVGD) all suggest that this variant is likely to be tolerated. In summary, the available evidence is currently insufficient to determine the role of this variant in disease. Therefore, it has been classified as a Variant of Uncertain Significance.